The following is an entry in ClinVar:

ClinVar aggregate classification (germline): Likely benign (1 of 4 stars; one submission).

Allele frequency attached by ClinVar (database versions not stated): gnomAD exomes 0.00001 and 0.00002; ExAC 0.00002; TOPMed 0.00004; ESP Exome Variant Server 0.00008; gnomAD 0.00004.

Submissions (2):

GeneDx
Classification: Likely benign. Last evaluated: 2017-01-25. Review status: criteria provided, single submitter. Criteria: GeneDx Variant Classification (06012015). Collection method: clinical testing. Allele origin: germline. Affected: yes.
Comment: This variant is considered likely benign or benign based on one or more of the following criteria: it is a conservative change, it occurs at a poorly conserved position in the protein, it is predicted to be benign by multiple in silico algorithms, and/or has population frequency not consistent with disease.

Seelig Lab, University of Washington
No classification provided (evidence only). Review status: no classification provided. Collection method: in vitro. Allele origin: not applicable. Functional consequence: effect on translation. Not counted in ClinVar's aggregate classification.
ClinVar note: "not provided" was previously submitted as the classification for the variant. However, the classification appeared to be based only on an observation of functional data so it was converted to no classification on 2025-07-30.

NM_006294.3(UQCRB):c.-39T>C

Genes: UQCRB (ubiquinol-cytochrome c reductase binding protein; minus strand), UQCRB-AS1 (UQCRB antisense RNA 1; plus strand). Cytogenetic location: 8q22.1.
Variant type: single nucleotide variant.
Coding change: c.-39T>C on transcript NM_006294.3; 39 bases upstream of the start codon, T replaced by C.
Genome position (GRCh38, 1-based): chr8:96,235,569, A>G on the plus strand (T>C on the coding strand, the complement: UQCRB is on the minus strand). VCF-style: chr8-96235569-A-G. GRCh37 (hg19) VCF-style: chr8-97247797-A-G.
Identifiers: ClinVar variation 383051 (VCV000383051.5), dbSNP rs373747569, ClinGen allele CA4816039.